The following is an entry in ClinVar:

ClinVar aggregate classification (germline): Uncertain significance. Review status: criteria provided, multiple submitters, no conflicts (2 of 4 stars). 2 submissions from 2 submitters: Uncertain significance (2). Last evaluated 2025-12-17.

Conditions:
Inborn genetic diseases. Identifiers: MedGen C0950123, MeSH D030342.

gnomAD v4.1: 62 of 1,614,216 alleles (0.0038%); highest among the groups gnomAD compares: Admixed American, 0.01%; 1 homozygote.

Submissions (2):

Labcorp Genetics (formerly Invitae), Labcorp
Classification: Uncertain significance. Last evaluated: 2025-12-17. Review status: criteria provided, single submitter. Criteria: Invitae Variant Classification Sherloc (09022015). Collection method: clinical testing. Allele origin: germline.
Comment: This sequence change replaces arginine, which is basic and polar, with glutamine, which is neutral and polar, at codon 1345 of the MYH3 protein (p.Arg1345Gln). This variant is present in population databases (rs201436286, gnomAD 0.01%). This variant has not been reported in the literature in individuals affected with MYH3-related conditions. ClinVar contains an entry for this variant (Variation ID: 3297440). Invitae Evidence Modeling of protein sequence and biophysical properties (such as structural, functional, and spatial information, amino acid conservation, physicochemical variation, residue mobility, and thermodynamic stability) indicates that this missense variant is not expected to disrupt MYH3 protein function with a negative predictive value of 95%. In summary, the available evidence is currently insufficient to determine the role of this variant in disease. Therefore, it has been classified as a Variant of Uncertain Significance.

Ambry Genetics
Classification: Uncertain significance for Inborn genetic diseases. Last evaluated: 2024-04-19. Review status: criteria provided, single submitter. Criteria: Ambry Variant Classification Scheme 2023. Collection method: clinical testing. Allele origin: germline.

NM_002470.4(MYH3):c.4034G>A (p.Arg1345Gln)

Gene: MYH3 (myosin heavy chain 3; minus strand). Cytogenetic location: 17p13.1.
Variant type: single nucleotide variant.
Coding change: c.4034G>A on transcript NM_002470.4 (MANE Select); coding-DNA position 4034, G replaced by A.
Protein change: p.Arg1345Gln; replaces arginine 1345 with glutamine.
Molecular consequence: missense variant.
Genome position (GRCh38, 1-based): chr17:10,635,505, C>T on the plus strand (G>A on the coding strand, the complement: MYH3 is on the minus strand). VCF-style: chr17-10635505-C-T. GRCh37 (hg19) VCF-style: chr17-10538822-C-T.
Other names: short protein forms R1345Q.
Identifiers: ClinVar variation 3297440 (VCV003297440.2).